The following is an entry in ClinVar:

ClinVar aggregate classification (germline): Uncertain significance (1 of 4 stars; one submission).

Conditions:
Osteogenesis imperfecta type III (OI3). Also called: Progressively Deforming Osteogenesis Imperfecta; Osteogenesis imperfecta type 3; OI type 3; Osteogenesis imperfecta, progressively deforming with normal sclerae; OI type III. Identifiers: Orphanet 216812, Orphanet 666, MedGen C0268362, MONDO:0009804, OMIM 259420.

Submission:

Baylor Genetics
Classification: Uncertain significance for Osteogenesis imperfecta type III. Last evaluated: 2017-09-01. Review status: criteria provided, single submitter. Criteria: ACMG Guidelines, 2015. Collection method: clinical testing. Allele origin: de novo. Inheritance: Autosomal dominant inheritance. Affected: yes.

Literature cited by the submitters: PubMed 25326635.

NM_000089.4(COL1A2):c.3287_3288insTCCCCCTGT (p.Pro1098_Gly1099insValProPro)

Gene: COL1A2 (collagen type I alpha 2 chain; plus strand). Cytogenetic location: 7q21.3.
Variant type: Insertion.
Coding change: c.3287_3288insTCCCCCTGT on transcript NM_000089.4 (MANE Select); coding-DNA positions 3287 to 3288, TCCCCCTGT inserted.
Protein change: p.Pro1098_Gly1099insValProPro.
Molecular consequence: inframe insertion.
Genome position: GRCh38 VCF-style: chr7-94427646-G-GTCCCCCTGT. GRCh37 (hg19) VCF-style: chr7-94056958-G-GTCCCCCTGT.
Identifiers: ClinVar variation 560982 (VCV000560982.2), dbSNP rs1562908061, ClinGen allele CA658821801.